The following is an entry in ClinVar:

NM_002296.4(LBR):c.1831T>G (p.Phe611Val)

Gene: LBR (lamin B receptor; minus strand). Cytogenetic location: 1q42.12.
Variant type: single nucleotide variant.
Coding change: c.1831T>G on transcript NM_002296.4 (MANE Select); coding-DNA position 1831, T replaced by G.
Protein change: p.Phe611Val; replaces phenylalanine 611 with valine.
Molecular consequence: missense variant.
Genome position (GRCh38, 1-based): chr1:225,403,320, A>C on the plus strand (T>G on the coding strand, the complement: LBR is on the minus strand). VCF-style: chr1-225403320-A-C. GRCh37 (hg19) VCF-style: chr1-225591022-A-C.
Other names: c.1831T>G, p.Phe611Val (NM_194442.3); short protein forms F611V.
Identifiers: ClinVar variation 1019700 (VCV001019700.8), dbSNP rs760973933, ClinGen allele CA1417020.

ClinVar aggregate classification (germline): Uncertain significance (1 of 4 stars; one submission).

Allele frequency attached by ClinVar (database versions not stated): ExAC 0.00001; gnomAD exomes 0.00001.
gnomAD v4.1: 12 of 1,614,032 alleles (0.00074%); highest among the groups gnomAD compares: South Asian, 0.013%; no homozygotes.

Submission:

Labcorp Genetics (formerly Invitae), Labcorp
Classification: Uncertain significance. Last evaluated: 2020-03-16. Review status: criteria provided, single submitter. Criteria: Invitae Variant Classification Sherloc (09022015). Collection method: clinical testing. Allele origin: germline.
Comment: This sequence change replaces phenylalanine with valine at codon 611 of the LBR protein (p.Phe611Val). The phenylalanine residue is weakly conserved and there is a small physicochemical difference between phenylalanine and valine. This variant is present in population databases (rs760973933, ExAC 0.006%). This variant has not been reported in the literature in individuals with LBR-related conditions. Algorithms developed to predict the effect of missense changes on protein structure and function output the following: SIFT: "Tolerated"; PolyPhen-2: "Benign"; Align-GVGD: "Class C0". The valine amino acid residue is found in multiple mammalian species, suggesting that this missense change does not adversely affect protein function. These predictions have not been confirmed by published functional studies and their clinical significance is uncertain. Algorithms developed to predict the effect of sequence changes on RNA splicing suggest that this variant may create or strengthen a splice site, but this prediction has not been confirmed by published transcriptional studies. In summary, the available evidence is currently insufficient to determine the role of this variant in disease. Therefore, it has been classified as a Variant of Uncertain Significance.